The following is an entry in ClinVar:

NM_021620.4(PRDM13):c.1948A>G (p.Lys650Glu)

Gene: PRDM13 (PR/SET domain 13; plus strand). Cytogenetic location: 6q16.2.
Variant type: single nucleotide variant.
Coding change: c.1948A>G on transcript NM_021620.4 (MANE Select); coding-DNA position 1948, A replaced by G.
Protein change: p.Lys650Glu; replaces lysine 650 with glutamic acid.
Molecular consequence: missense variant.
Genome position (GRCh38, 1-based): chr6:99,614,583, A>G. VCF-style: chr6-99614583-A-G. GRCh37 (hg19) VCF-style: chr6-100062459-A-G.
Other names: short protein forms K650E.
Identifiers: ClinVar variation 1408428 (VCV001408428.8), dbSNP rs200554313, ClinGen allele CA3936470.
Genomic context (GRCh38, chr6:99,614,583, plus strand): 5'-TACCGCTGCGAGTTCTGCGGCAAGGTACTTGTGCGCCGCCGGGACCTGGAGCGACATGTC[A>G]AGTCCCGCCACCCTGGCCAGAGTCTGCTCGCCAAAGCGGGCGACGGCCCGGGTGCCGAGC-3'
Protein context (NP_067633.2, residues 640-660): VRRRDLERHV[Lys650Glu]SRHPGQSLLA

ClinVar aggregate classification (germline): Uncertain significance (1 of 4 stars; one submission).

Allele frequency attached by ClinVar (database versions not stated): gnomAD 0.00001 and 0.00008; TOPMed 0.00002; gnomAD exomes 0.00005 and 0.00024; ExAC 0.00008; 1000 Genomes Project 30x 0.00031; 1000 Genomes Project 0.00040.
gnomAD v4.1: 345 of 1,612,634 alleles (0.021%); highest among the groups gnomAD compares: East Asian, 0.76%; 6 homozygotes.

Submission:

Labcorp Genetics (formerly Invitae), Labcorp
Classification: Uncertain significance. Last evaluated: 2025-01-27. Review status: criteria provided, single submitter. Criteria: Invitae Variant Classification Sherloc (09022015). Collection method: clinical testing. Allele origin: germline.
Comment: This sequence change replaces lysine, which is basic and polar, with glutamic acid, which is acidic and polar, at codon 650 of the PRDM13 protein (p.Lys650Glu). This variant is present in population databases (rs200554313, gnomAD 0.06%). This variant has not been reported in the literature in individuals affected with PRDM13-related conditions. ClinVar contains an entry for this variant (Variation ID: 1408428). An algorithm developed to predict the effect of missense changes on protein structure and function (PolyPhen-2) suggests that this variant is likely to be tolerated. In summary, the available evidence is currently insufficient to determine the role of this variant in disease. Therefore, it has been classified as a Variant of Uncertain Significance.